The following is an entry in ClinVar:

ClinVar aggregate classification (germline): Benign/Likely benign. Review status: criteria provided, multiple submitters, no conflicts (2 of 4 stars). 15 submissions from 15 submitters: Benign (11); Likely benign (1). 3 of the submissions do not count toward it. Last evaluated 2026-02-04.

Conditions:
Hereditary cancer-predisposing syndrome. Also called: Neoplastic Syndromes, Hereditary; Hereditary Cancer Syndrome; Tumor predisposition; Hereditary neoplastic syndrome. Identifiers: Orphanet 140162, MedGen C0027672, MeSH D009386, MONDO:0015356.
Breast-ovarian cancer, familial, susceptibility to, 4. Identifiers: Orphanet 145, MedGen C3280345, MONDO:0013669, OMIM 614291.

Allele frequency attached by ClinVar (database versions not stated): gnomAD exomes 0.14087 and 0.15551; ExAC 0.15934; 1000 Genomes Project 0.09505; 1000 Genomes Project 30x 0.09525; ESP Exome Variant Server 0.10680; gnomAD 0.11973 and 0.12119; TOPMed 0.11981.

Submissions (15):

Labcorp Genetics (formerly Invitae), Labcorp
Classification: Benign for Breast-ovarian cancer, familial, susceptibility to, 4. Last evaluated: 2026-02-04. Review status: criteria provided, single submitter. Criteria: Invitae Variant Classification Sherloc (09022015). Collection method: clinical testing. Allele origin: germline.

ARUP Laboratories, Molecular Genetics and Genomics, ARUP Laboratories
Classification: Benign for Breast-ovarian cancer, familial, susceptibility to, 4. Last evaluated: 2025-07-29. Review status: criteria provided, single submitter. Criteria: ARUP Molecular Germline Variant Investigation Process 2024. Collection method: clinical testing. Allele origin: germline.

GeneKor MSA
Classification: Benign for Hereditary cancer-predisposing syndrome. Last evaluated: 2025-07-10. Review status: criteria provided, single submitter. Criteria: ACMG Guidelines, 2015. Collection method: clinical testing. Allele origin: germline.

Blueprint Genetics
Classification: Likely benign. Last evaluated: 2024-11-28. Review status: criteria provided, single submitter. Criteria: ACMG Guidelines, 2015. Collection method: clinical testing. Allele origin: germline.

Myriad Genetics, Inc.
Classification: Benign for Breast-ovarian cancer, familial, susceptibility to, 4. Last evaluated: 2023-05-10. Review status: criteria provided, single submitter. Criteria: Myriad Autosomal Dominant, Autosomal Recessive and X-Linked Classification Criteria (2023). Collection method: clinical testing. Allele origin: unknown.
Comment: This variant is considered benign. This variant has been observed at a population frequency that is significantly greater than expected given the associated disease prevalence and penetrance.

Mayo Clinic Laboratories, Mayo Clinic
Classification: Benign. Last evaluated: 2021-06-21. Review status: criteria provided, single submitter. Criteria: ACMG Guidelines, 2015. Collection method: clinical testing. Allele origin: germline. Observed: 279 variant alleles.

Ambry Genetics
Classification: Benign for Hereditary cancer-predisposing syndrome. Last evaluated: 2019-01-18. Review status: criteria provided, single submitter. Criteria: Ambry Variant Classification Scheme 2023. Collection method: clinical testing. Allele origin: germline.

Institute of Human Genetics, University of Leipzig Medical Center
Classification: Benign for Breast-ovarian cancer, familial, susceptibility to, 4. Last evaluated: 2019-01-01. Review status: criteria provided, single submitter. Criteria: ACMG Guidelines, 2015. Collection method: clinical testing. Allele origin: unknown. Affected: yes.

GeneDx
Classification: Benign. Last evaluated: 2015-03-03. Review status: criteria provided, single submitter. Criteria: GeneDx Variant Classification Process June 2021. Collection method: clinical testing. Allele origin: germline. Affected: yes.
Comment: This variant is associated with the following publications: (PMID: 28202063)

Color Diagnostics, LLC DBA Color Health
Classification: Benign for Hereditary cancer-predisposing syndrome. Last evaluated: 2014-11-05. Review status: criteria provided, single submitter. Criteria: ACMG Guidelines, 2015. Collection method: clinical testing. Allele origin: germline.

Breakthrough Genomics
Classification: Benign. Review status: criteria provided, single submitter. Criteria: ACMG Guidelines, 2015. Collection method: not provided. Allele origin: germline. Inheritance: Unknown mechanism. Affected: yes.

PreventionGenetics, part of Exact Sciences
Classification: Benign. Review status: criteria provided, single submitter. Criteria: ACMG Guidelines, 2015. Collection method: clinical testing. Allele origin: germline.

Counsyl
Classification: Benign for Breast-ovarian cancer, familial, susceptibility to, 4. Last evaluated: 2016-06-18. Review status: no assertion criteria provided. Collection method: clinical testing. Allele origin: unknown. Not counted in ClinVar's aggregate classification.

Clinical Genetics Laboratory, Department of Pathology, Netherlands Cancer Institute
Classification: Benign. Review status: no assertion criteria provided. Collection method: clinical testing. Allele origin: germline. Affected: yes. Study: VKGL Data-share Consensus. Not counted in ClinVar's aggregate classification.

Joint Genome Diagnostic Labs from Nijmegen and Maastricht, Radboudumc and MUMC+
Classification: Benign. Review status: no assertion criteria provided. Collection method: clinical testing. Allele origin: germline. Affected: yes. Study: VKGL Data-share Consensus. Not counted in ClinVar's aggregate classification.

NM_002878.4(RAD51D):c.494G>A (p.Arg165Gln)

Genes: RAD51D (RAD51 paralog D; minus strand), RAD51L3-RFFL (RAD51L3-RFFL readthrough; minus strand). Cytogenetic location: 17q12.
Variant type: single nucleotide variant.
Coding change: c.494G>A on transcript NM_002878.4 (MANE Select); coding-DNA position 494, G replaced by A.
Protein change: p.Arg165Gln; replaces arginine 165 with glutamine.
Molecular consequence: missense variant. On other transcripts: non-coding transcript variant (3).
Genome position (GRCh38, 1-based): chr17:35,106,468, C>T on the plus strand (G>A on the coding strand, the complement: RAD51D is on the minus strand). VCF-style: chr17-35106468-C-T. GRCh37 (hg19) VCF-style: chr17-33433487-C-T.
Other names: c.554G>A, p.Arg185Gln (NM_001142571.2); c.158G>A, p.Arg53Gln (NM_133629.3); short protein forms R165Q, R185Q, R53Q.
Identifiers: ClinVar variation 142159 (VCV000142159.42), dbSNP rs4796033, ClinGen allele CA167606.
Genomic context (GRCh38, chr17:35,106,468, plus strand): 5'-AGCTCCTGCAGCACATCCAGCATCTGGAAGATGTCAAATGCATGCACCACCTGGATCCTC[C>T]GGAGAGCTTCTGCCTGAAGCGGTGGAAAAGAAAAGCAAGGACTTTGGATAAGAGGGAGTA-3'
Protein context (NP_002869.3, residues 155-175): QDEEEQAEAL[Arg165Gln]RIQVVHAFDI